The following is an entry in ClinVar:

NM_005245.4(FAT1):c.6054C>A (p.Asn2018Lys)

Gene: FAT1 (FAT atypical cadherin 1; minus strand). Cytogenetic location: 4q35.2.
Variant type: single nucleotide variant.
Coding change: c.6054C>A on transcript NM_005245.4 (MANE Select); coding-DNA position 6054, C replaced by A.
Protein change: p.Asn2018Lys; replaces asparagine 2018 with lysine.
Molecular consequence: missense variant.
Genome position (GRCh38, 1-based): chr4:186,620,532, G>T on the plus strand (C>A on the coding strand, the complement: FAT1 is on the minus strand). VCF-style: chr4-186620532-G-T. GRCh37 (hg19) VCF-style: chr4-187541686-G-T.
Other names: p.Asn2018Lys; short protein forms N2018K.
Identifiers: ClinVar variation 778167 (VCV000778167.14), dbSNP rs73873662, ClinGen allele CA3166326.

ClinVar aggregate classification (germline): Benign/Likely benign. Review status: criteria provided, multiple submitters, no conflicts (2 of 4 stars). 5 submissions from 5 submitters: Benign (2); Likely benign (3). Last evaluated 2026-01-06.

Allele frequency attached by ClinVar (database versions not stated): gnomAD exomes 0.00243; ExAC 0.00291; 1000 Genomes Project 30x 0.00921; 1000 Genomes Project 0.00958; gnomAD 0.00972 and 0.01036; ESP Exome Variant Server 0.00981; TOPMed 0.01060.
gnomAD v4.1: 3,133 of 1,613,956 alleles (0.19%); highest among the groups gnomAD compares: African/African-American, 3.6%; 56 homozygotes.

Submissions (5):

Labcorp Genetics (formerly Invitae), Labcorp
Classification: Benign. Last evaluated: 2026-01-06. Review status: criteria provided, single submitter. Criteria: Invitae Variant Classification Sherloc (09022015). Collection method: clinical testing. Allele origin: germline.

Genomic Medicine Center of Excellence, King Faisal Specialist Hospital and Research Centre
Classification: Likely benign. Last evaluated: 2025-08-18. Review status: criteria provided, single submitter. Criteria: ACMG Guidelines, 2015. Collection method: clinical testing. Allele origin: germline.

Mayo Clinic Laboratories, Mayo Clinic
Classification: Benign. Last evaluated: 2023-04-04. Review status: criteria provided, single submitter. Criteria: ACMG Guidelines, 2015. Collection method: clinical testing. Allele origin: germline. Observed: 4 variant alleles.
Comment: BS1, BS2, BP4

GeneDx
Classification: Likely benign. Last evaluated: 2020-03-25. Review status: criteria provided, single submitter. Criteria: GeneDx Variant Classification Process June 2021. Collection method: clinical testing. Allele origin: germline. Affected: yes.

Breakthrough Genomics
Classification: Likely benign. Review status: criteria provided, single submitter. Criteria: ACMG Guidelines, 2015. Collection method: not provided. Allele origin: germline. Inheritance: Unknown mechanism. Affected: yes.